The following is an entry in ClinVar:

ClinVar aggregate classification (germline): Benign (1 of 4 stars; one submission).

Submission:

GeneDx
Classification: Benign. Last evaluated: 2018-06-14. Review status: criteria provided, single submitter. Criteria: GeneDx Variant Classification (06012015). Collection method: clinical testing. Allele origin: germline. Affected: yes.
Comment: This variant is considered likely benign or benign based on one or more of the following criteria: it is a conservative change, it occurs at a poorly conserved position in the protein, it is predicted to be benign by multiple in silico algorithms, and/or has population frequency not consistent with disease.

NM_004863.4(SPTLC2):c.133-101del

Gene: SPTLC2 (serine palmitoyltransferase long chain base subunit 2; minus strand). Cytogenetic location: 14q24.3.
Variant type: Deletion.
Coding change: c.133-101del on transcript NM_004863.4 (MANE Select); 101 bases into the intron before coding-DNA position 133, one base deleted (A; older notation c.133-101delA).
Molecular consequence: intron variant.
Genome position (GRCh38, 1-based): chr14:77,597,481, T deleted on the plus strand (A on the coding strand, the reverse complement: SPTLC2 is on the minus strand); the first of 4 consecutive T bases (chr14:77,597,481-77,597,484); deleting any one gives the same sequence. VCF-style (leftmost placement, unchanged base first): chr14-77597480-AT-A. GRCh37 (hg19) VCF-style: chr14-78063823-AT-A.
Identifiers: ClinVar variation 670579 (VCV000670579.1), dbSNP rs34670650, ClinGen allele CA263850473.